The following is an entry in ClinVar:

NM_173689.7(CRB2):c.235G>A (p.Gly79Ser)

Gene: CRB2 (crumbs cell polarity complex component 2; plus strand). Cytogenetic location: 9q33.3.
Variant type: single nucleotide variant.
Coding change: c.235G>A on transcript NM_173689.7 (MANE Select); coding-DNA position 235, G replaced by A.
Protein change: p.Gly79Ser; replaces glycine 79 with serine.
Molecular consequence: missense variant.
Genome position (GRCh38, 1-based): chr9:123,363,005, G>A. VCF-style: chr9-123363005-G-A. GRCh37 (hg19) VCF-style: chr9-126125284-G-A.
Other names: c.235G>A (NM_173689.5, NM_173689.6); short protein forms G79S.
Identifiers: ClinVar variation 2172096 (VCV002172096.6), dbSNP rs369928293, ClinGen allele CA5231583.

ClinVar aggregate classification (germline): Uncertain significance. Review status: criteria provided, multiple submitters, no conflicts (2 of 4 stars). 3 submissions from 3 submitters: Uncertain significance (3). Last evaluated 2025-10-21.

Conditions:
Inborn genetic diseases. Identifiers: MedGen C0950123, MeSH D030342.

Allele frequency attached by ClinVar (database versions not stated): gnomAD exomes 0.00002; ExAC 0.00004; gnomAD 0.00004; TOPMed 0.00004; ESP Exome Variant Server 0.00008.
gnomAD v4.1: 40 of 1,612,378 alleles (0.0025%); highest among the groups gnomAD compares: Admixed American, 0.005%; no homozygotes.

Submissions (3):

Ambry Genetics
Classification: Uncertain significance for Inborn genetic diseases. Last evaluated: 2025-10-21. Review status: criteria provided, single submitter. Criteria: Ambry Variant Classification Scheme 2023. Collection method: clinical testing. Allele origin: germline.

GeneDx
Classification: Uncertain significance. Last evaluated: 2025-01-29. Review status: criteria provided, single submitter. Criteria: GeneDx Variant Classification Process June 2021. Collection method: clinical testing. Allele origin: germline. Affected: yes.
Comment: In silico analysis supports that this missense variant has a deleterious effect on protein structure/function; Has not been previously published as pathogenic or benign to our knowledge

Labcorp Genetics (formerly Invitae), Labcorp
Classification: Uncertain significance. Last evaluated: 2024-10-23. Review status: criteria provided, single submitter. Criteria: Invitae Variant Classification Sherloc (09022015). Collection method: clinical testing. Allele origin: germline.
Comment: This sequence change replaces glycine, which is neutral and non-polar, with serine, which is neutral and polar, at codon 79 of the CRB2 protein (p.Gly79Ser). This variant is present in population databases (rs369928293, gnomAD 0.01%). This variant has not been reported in the literature in individuals affected with CRB2-related conditions. ClinVar contains an entry for this variant (Variation ID: 2172096). Invitae Evidence Modeling of protein sequence and biophysical properties (such as structural, functional, and spatial information, amino acid conservation, physicochemical variation, residue mobility, and thermodynamic stability) indicates that this missense variant is expected to disrupt CRB2 protein function with a positive predictive value of 95%. In summary, the available evidence is currently insufficient to determine the role of this variant in disease. Therefore, it has been classified as a Variant of Uncertain Significance.